The following is an entry in ClinVar:

NM_005861.4(STUB1):c.728C>T (p.Pro243Leu)

Genes: JMJD8 (jumonji domain containing 8; minus strand), STUB1 (STIP1 homology and U-box containing protein 1; plus strand). Cytogenetic location: 16p13.3.
Variant type: single nucleotide variant.
Coding change: c.728C>T on transcript NM_005861.4 (MANE Select); coding-DNA position 728, C replaced by T.
Protein change: p.Pro243Leu; replaces proline 243 with leucine.
Molecular consequence: missense variant. On other transcripts: 3 prime UTR variant (5), non-coding transcript variant (3).
Genome position (GRCh38, 1-based): chr16:682,223, C>T. VCF-style: chr16-682223-C-T. GRCh37 (hg19) VCF-style: chr16-732223-C-T.
Other names: c.512C>T, p.Pro171Leu (NM_001293197.2); c.*571G>A (NM_001005920.4, NM_001323919.3, NM_001323920.3); c.*605G>A (NM_001323918.3, NM_001323922.3); c.728C>T (NM_005861.2); short protein forms P171L, P243L.
Identifiers: ClinVar variation 3027432 (VCV003027432.2), dbSNP rs751656037, ClinGen allele CA7786794.

ClinVar aggregate classification (germline): Conflicting classifications of pathogenicity. Review status: criteria provided, conflicting classifications (1 of 4 stars). 2 submissions from 2 submitters: Likely pathogenic (1); Uncertain significance (1). Last evaluated 2023-09-20.

Conditions:
Spinocerebellar ataxia 48. Identifiers: Orphanet 631103, MedGen C4748158, MONDO:0032526, OMIM 618093.

Allele frequency attached by ClinVar (database versions not stated): gnomAD exomes below 0.00001; TOPMed below 0.00001; ExAC 0.00001; gnomAD 0.00001.
gnomAD v4.1: 7 of 1,612,940 alleles (0.00043%); highest among the groups gnomAD compares: South Asian, 0.0011%; no homozygotes.

Submissions (2):

GeneDx
Classification: Likely pathogenic. Last evaluated: 2023-09-20. Review status: criteria provided, single submitter. Criteria: GeneDx Variant Classification Process June 2021. Collection method: clinical testing. Allele origin: germline. Affected: yes.
Comment: Published functional studies demonstrate a damaging effect on folding of the entire U box domain, thereby affecting and reducing the E3 activity of CHIP (Saito et al., 2022); Not observed at significant frequency in large population cohorts (gnomAD); In silico analysis supports that this missense variant has a deleterious effect on protein structure/function; This variant is associated with the following publications: (PMID: 36476347, 28193273, 36422518, 32713943, 34906452)

Human Genetics Bochum, Ruhr University Bochum
Classification: Uncertain significance for Spinocerebellar ataxia 48. Last evaluated: 2023-05-31. Review status: criteria provided, single submitter. Criteria: ACMG Guidelines, 2015. Collection method: clinical testing. Allele origin: germline. Affected: yes.
Comment: ACMG criteria used to clasify this variant: PM1, PP3_MOD, PM2_SUP